The following is an entry in ClinVar:

NM_000742.4(CHRNA2):c.1045G>C (p.Val349Leu)

Gene: CHRNA2 (cholinergic receptor nicotinic alpha 2 subunit; minus strand). Cytogenetic location: 8p21.2.
Variant type: single nucleotide variant.
Coding change: c.1045G>C on transcript NM_000742.4 (MANE Select); coding-DNA position 1045, G replaced by C.
Protein change: p.Val349Leu; replaces valine 349 with leucine.
Molecular consequence: missense variant.
Genome position (GRCh38, 1-based): chr8:27,463,398, C>G on the plus strand (G>C on the coding strand, the complement: CHRNA2 is on the minus strand). VCF-style: chr8-27463398-C-G. GRCh37 (hg19) VCF-style: chr8-27320915-C-G.
Other names: c.1000G>C, p.Val334Leu (NM_001282455.2); c.568G>C, p.Val190Leu (NM_001347705.2, NM_001347706.2); c.451G>C, p.Val151Leu (NM_001347707.2, NM_001347708.2); short protein forms V349L, V334L, V190L, V151L.
Identifiers: ClinVar variation 476986 (VCV000476986.14), dbSNP rs774279507, ClinGen allele CA4689546.

ClinVar aggregate classification (germline): Uncertain significance. Review status: criteria provided, multiple submitters, no conflicts (2 of 4 stars). 3 submissions from 3 submitters: Uncertain significance (3). Last evaluated 2026-07-19.

Conditions:
Familial sleep-related hypermotor epilepsy. Also called: Autosomal Dominant Sleep-Related Hypermotor (Hyperkinetic) Epilepsy. Identifiers: Orphanet 98784, MedGen C3696898, MONDO:0000030.

Allele frequency attached by ClinVar (database versions not stated): ExAC 0.00004.
gnomAD v4.1: 11 of 1,613,926 alleles (0.00068%); highest among the groups gnomAD compares: Admixed American, 0.0033%; no homozygotes.

Submissions (3):

GeneDx
Classification: Uncertain significance. Last evaluated: 2026-07-19. Review status: criteria provided, single submitter. Criteria: GeneDx Variant Classification Process June 2021. Collection method: clinical testing. Allele origin: germline.
Comment: Not observed at significant frequency in large population cohorts (gnomAD); In silico analysis supports that this missense variant has a deleterious effect on protein structure/function; Has not been previously published as pathogenic or benign to our knowledge

Labcorp Genetics (formerly Invitae), Labcorp
Classification: Uncertain significance. Last evaluated: 2025-11-25. Review status: criteria provided, single submitter. Criteria: Invitae Variant Classification Sherloc (09022015). Collection method: clinical testing. Allele origin: germline.
Comment: This sequence change replaces valine, which is neutral and non-polar, with leucine, which is neutral and non-polar, at codon 349 of the CHRNA2 protein (p.Val349Leu). This variant is present in population databases (rs774279507, gnomAD 0.004%). This variant has not been reported in the literature in individuals affected with CHRNA2-related conditions. ClinVar contains an entry for this variant (Variation ID: 476986). Invitae Evidence Modeling of protein sequence and biophysical properties (such as structural, functional, and spatial information, amino acid conservation, physicochemical variation, residue mobility, and thermodynamic stability) indicates that this missense variant is expected to disrupt CHRNA2 protein function with a positive predictive value of 80%. In summary, the available evidence is currently insufficient to determine the role of this variant in disease. Therefore, it has been classified as a Variant of Uncertain Significance.

Mayo Clinic Laboratories, Mayo Clinic
Classification: Uncertain significance. Last evaluated: 2019-05-20. Review status: criteria provided, single submitter. Criteria: ACMG Guidelines, 2015. Collection method: clinical testing. Allele origin: germline. Observed: 1 variant allele.